The following is an entry in ClinVar:

NM_000295.5(SERPINA1):c.70_73del (p.Ala24fs)

Gene: SERPINA1 (serpin family A member 1; minus strand). Cytogenetic location: 14q32.13.
Variant type: Deletion.
Coding change: c.70_73del on transcript NM_000295.5 (MANE Select); coding-DNA positions 70 to 73, 4 bases deleted (GCTG; older notation c.70_73delGCTG).
Protein change: p.Ala24fs; shifts the reading frame from alanine 24.
Molecular consequence: frameshift variant.
Genome position (GRCh38, 1-based): chr14:94,383,165-94,383,168, CAGC deleted on the plus strand (GCTG on the coding strand, the reverse complement: SERPINA1 is on the minus strand); deleting any 4 consecutive bases within chr14:94,383,165-94,383,171 gives the same sequence; the c. name uses the placement nearest the transcript's 3' end. VCF-style (leftmost placement, unchanged base first): chr14-94383164-TCAGC-T. GRCh37 (hg19) VCF-style: chr14-94849501-TCAGC-T.
Other names: c.70_73del, p.Ala24fs (NM_001002235.3, NM_001002236.3, NM_001127700.2 and 7 more transcripts); short protein forms A24fs.
Identifiers: ClinVar variation 5000811 (VCV005000811.1).

ClinVar aggregate classification (germline): Likely pathogenic (1 of 4 stars; one submission).

Conditions:
SERPINA1-related disorder. Also called: SERPINA1-related condition; SerpinA1-related disorders.

Submission:

PreventionGenetics, part of Exact Sciences
Classification: Likely pathogenic for SERPINA1-related condition. Last evaluated: 2025-05-07. Review status: criteria provided, single submitter. Criteria: ACMG Guidelines, 2015. Collection method: clinical testing. Allele origin: germline.
Comment: The SERPINA1 c.70_73delGCTG variant is predicted to result in a frameshift and premature protein termination (p.Ala24Argfs*55). To our knowledge, this variant has not been reported in the literature or in a large population database (gnomAD), indicating this variant is rare. Frameshift variants in SERPINA1 are expected to be pathogenic. This variant is interpreted as likely pathogenic.